The following is an entry in ClinVar:

NM_130837.3(OPA1):c.1442T>C (p.Met481Thr)

Gene: OPA1 (OPA1 mitochondrial dynamin like GTPase; plus strand). Cytogenetic location: 3q29.
Variant type: single nucleotide variant.
Coding change: c.1442T>C on transcript NM_130837.3 (MANE Select); coding-DNA position 1442, T replaced by C.
Protein change: p.Met481Thr; replaces methionine 481 with threonine.
Molecular consequence: missense variant.
Genome position (GRCh38, 1-based): chr3:193,643,592, T>C. VCF-style: chr3-193643592-T-C. GRCh37 (hg19) VCF-style: chr3-193361381-T-C.
Other names: c.1169T>C, p.Met390Thr (NM_130831.3); c.1223T>C, p.Met408Thr (NM_130832.3); c.1280T>C, p.Met427Thr (NM_130833.3); c.1331T>C, p.Met444Thr (NM_130834.3); c.1334T>C, p.Met445Thr (NM_130835.3); c.1388T>C, p.Met463Thr (NM_130836.3); c.908T>C, p.Met303Thr (NM_001354663.2); c.905T>C, p.Met302Thr (NM_001354664.2); and 1 more; short protein forms M302T, M390T, M408T, M463T, M481T, M303T, M444T, M427T.
Identifiers: ClinVar variation 4763781 (VCV004763781.1).

ClinVar aggregate classification (germline): Uncertain significance (1 of 4 stars; one submission).

Submission:

Labcorp Genetics (formerly Invitae), Labcorp
Classification: Uncertain significance. Last evaluated: 2025-04-08. Review status: criteria provided, single submitter. Criteria: Invitae Variant Classification Sherloc (09022015). Collection method: clinical testing. Allele origin: germline.
Comment: This sequence change replaces methionine, which is neutral and non-polar, with threonine, which is neutral and polar, at codon 426 of the OPA1 protein (p.Met426Thr). This variant is not present in population databases (gnomAD no frequency). This missense change has been observed in individual(s) with clinical features of dominant optic atrophy (PMID: 33841295). This variant is also known as c.1442T>C p.Met481Thr. Invitae Evidence Modeling of protein sequence and biophysical properties (such as structural, functional, and spatial information, amino acid conservation, physicochemical variation, residue mobility, and thermodynamic stability) indicates that this missense variant is expected to disrupt OPA1 protein function with a positive predictive value of 80%. In summary, the available evidence is currently insufficient to determine the role of this variant in disease. Therefore, it has been classified as a Variant of Uncertain Significance.

Literature cited by the submitters: PubMed 33841295.